The following is an entry in ClinVar:

NM_015047.3(EMC1):c.1523A>G (p.Asp508Gly)

Genes: EMC1 (ER membrane protein complex subunit 1; minus strand), EMC1-AS1 (EMC1 antisense RNA 1; plus strand). Cytogenetic location: 1p36.13.
Variant type: single nucleotide variant.
Coding change: c.1523A>G on transcript NM_015047.3 (MANE Select); coding-DNA position 1523, A replaced by G.
Protein change: p.Asp508Gly; replaces aspartic acid 508 with glycine.
Molecular consequence: missense variant.
Genome position (GRCh38, 1-based): chr1:19,233,045, T>C on the plus strand (A>G on the coding strand, the complement: EMC1 is on the minus strand). VCF-style: chr1-19233045-T-C. GRCh37 (hg19) VCF-style: chr1-19559539-T-C.
Other names: c.1520A>G, p.Asp507Gly (NM_001271427.2, NM_001271428.2); c.1457A>G, p.Asp486Gly (NM_001271429.2); c.1532A>G, p.Asp511Gly (NM_001375820.1); c.1529A>G, p.Asp510Gly (NM_001375821.1); short protein forms D486G, D507G, D508G, D510G, D511G.
Identifiers: ClinVar variation 4774462 (VCV004774462.1).

ClinVar aggregate classification (germline): Uncertain significance (1 of 4 stars; one submission).

Submission:

Labcorp Genetics (formerly Invitae), Labcorp
Classification: Uncertain significance. Last evaluated: 2025-10-16. Review status: criteria provided, single submitter. Criteria: Invitae Variant Classification Sherloc (09022015). Collection method: clinical testing. Allele origin: germline.
Comment: This sequence change replaces aspartic acid, which is acidic and polar, with glycine, which is neutral and non-polar, at codon 508 of the EMC1 protein (p.Asp508Gly). This variant is not present in population databases (gnomAD no frequency). This variant has not been reported in the literature in individuals affected with EMC1-related conditions. Invitae Evidence Modeling of protein sequence and biophysical properties (such as structural, functional, and spatial information, amino acid conservation, physicochemical variation, residue mobility, and thermodynamic stability) indicates that this missense variant is not expected to disrupt EMC1 protein function with a negative predictive value of 80%. In summary, the available evidence is currently insufficient to determine the role of this variant in disease. Therefore, it has been classified as a Variant of Uncertain Significance.